The following is an entry in ClinVar:

ClinVar aggregate classification (germline): Uncertain significance. Review status: criteria provided, multiple submitters, no conflicts (2 of 4 stars). 2 submissions from 2 submitters: Uncertain significance (2). Last evaluated 2024-12-14.

Submissions (2):

GeneDx
Classification: Uncertain significance. Last evaluated: 2024-12-14. Review status: criteria provided, single submitter. Criteria: GeneDx Variant Classification Process June 2021. Collection method: clinical testing. Allele origin: germline. Affected: yes.
Comment: Not observed at significant frequency in large population cohorts (gnomAD); In silico analysis supports that this missense variant has a deleterious effect on protein structure/function; Has not been previously published as pathogenic or benign to our knowledge.

Blueprint Genetics
Classification: Uncertain significance. Last evaluated: 2022-05-04. Review status: criteria provided, single submitter. Criteria: ACMG Guidelines, 2015. Collection method: clinical testing. Allele origin: germline.

NM_000812.4(GABRB1):c.596C>T (p.Ala199Val)

Gene: GABRB1 (gamma-aminobutyric acid type A receptor subunit beta1; plus strand). Cytogenetic location: 4p12.
Variant type: single nucleotide variant.
Coding change: c.596C>T on transcript NM_000812.4 (MANE Select); coding-DNA position 596, C replaced by T.
Protein change: p.Ala199Val; replaces alanine 199 with valine.
Molecular consequence: missense variant.
Genome position (GRCh38, 1-based): chr4:47,403,369, C>T. VCF-style: chr4-47403369-C-T. GRCh37 (hg19) VCF-style: chr4-47405386-C-T.
Other names: short protein forms A199V.
Identifiers: ClinVar variation 3903102 (VCV003903102.2).